The following is an entry in ClinVar:

NC_000002.11:g.(71748035_71753349)_(71766370_71776479)dup

Gene: DYSF (dysferlin; plus strand). Cytogenetic location: 2p13.2.
Variant type: Duplication.
Identifiers: ClinVar variation 1696225 (VCV001696225.1).

ClinVar aggregate classification (germline): Likely pathogenic (1 of 4 stars; one submission).

Conditions:
Autosomal recessive limb-girdle muscular dystrophy. Identifiers: Orphanet 102015, MedGen C2931907, MONDO:0015152.

Submission:

Women's Health and Genetics/Laboratory Corporation of America, LabCorp
Classification: Likely pathogenic for Autosomal recessive limb-girdle muscular dystrophy. Last evaluated: 2022-05-18. Review status: criteria provided, single submitter. Criteria: LabCorp Variant Classification Summary - May 2015. Collection method: clinical testing. Allele origin: germline.
Comment: Variant summary: The variant identified by MLPA or other technology involves the duplication of exons 12-16 in the DYSF gene. A presumed nomenclature of c.(1053+1_1054-1)_(1480+1_1481-1)dup has been designated for the purposes of this classification. It has been assumed that this is a tandem duplication in direct orientation (Richardson_GIM_2018, Newman_AJHG_2015). Although exact breakpoints of this duplication are not known, it is expected to result in a frameshift in the DYSF gene. The variant was absent in 21694 control chromosomes (gnomAD, Structural Variants Dataset). The available data on variant occurrences in the general population are insufficient to allow any conclusion about variant significance. To our knowledge, no occurrence of c.(1053+1_1054-1)_(1480+1_1481-1)dup in individuals affected with Limb-Girdle Muscular Dystrophy, Autosomal Recessive and no experimental evidence demonstrating its impact on protein function have been reported. No clinical diagnostic laboratories have submitted clinical-significance assessments for this variant to ClinVar after 2014. Based on the evidence outlined above, the variant was classified as likely pathogenic.